The following is an entry in ClinVar:

ClinVar aggregate classification (germline): Benign/Likely benign. Review status: criteria provided, multiple submitters, no conflicts (2 of 4 stars). 8 submissions from 8 submitters: Benign (4); Likely benign (2). 2 of the submissions do not count toward it. Last evaluated 2026-02-03.

Conditions:
Arrhythmogenic right ventricular dysplasia 8 (ARVD8). Also called: ARRHYTHMOGENIC RIGHT VENTRICULAR CARDIOMYOPATHY 8; Arrhythmogenic Right Ventricular Dysplasia/Cardiomyopathy 8; ARRHYTHMOGENIC RIGHT VENTRICULAR DYSPLASIA, FAMILIAL, 8. Identifiers: MedGen C1843896, MONDO:0011831, OMIM 607450.
Woolly hair-skin fragility syndrome (WHSF). Identifiers: Orphanet 293165, MedGen C1843292, MONDO:0957307, OMIM 620415.
Cardiomyopathy, dilated, with wooly hair, keratoderma, and tooth agenesis. Also called: Cardiomyopathy, dilated, with woolly hair, keratoderma, and tooth agenesis; Erythrokeratodermia-cardiomyopathy syndrome. Identifiers: Orphanet 476096, Orphanet 65282, MedGen C4014393, MONDO:0014355, OMIM 615821.
Lethal acantholytic epidermolysis bullosa (EBLA). Identifiers: Orphanet 158687, MedGen C1864826, MONDO:0012323, OMIM 609638.
Arrhythmogenic cardiomyopathy with wooly hair and keratoderma. Also called: Arrhythmogenic cardiomyopathy with woolly hair and keratoderma; Carvajal syndrome; PALMOPLANTAR KERATODERMA WITH LEFT VENTRICULAR CARDIOMYOPATHY AND WOOLLY HAIR; Dilated cardiomyopathy with woolly hair and keratoderma. Identifiers: Orphanet 65282, MedGen C1854063, MONDO:0011581, OMIM 605676.
Keratosis palmoplantaris striata 2. Also called: KERATODERMA, PALMOPLANTAR, STRIATE FORM II; STRIATE PALMOPLANTAR KERATODERMA II; Keratosis palmoplantaris striata II. Identifiers: MedGen C1852127, MONDO:0013034, OMIM 612908.

Allele frequency attached by ClinVar (database versions not stated): gnomAD 0.00475; 1000 Genomes Project 0.00519; 1000 Genomes Project 30x 0.00593; TOPMed 0.00609; ESP Exome Variant Server 0.00684.
gnomAD v4.1: 1,662 of 1,613,928 alleles (0.1%); highest among the groups gnomAD compares: African/African-American, 2%; 13 homozygotes.

Submissions (8):

Labcorp Genetics (formerly Invitae), Labcorp
Classification: Benign for Arrhythmogenic cardiomyopathy with wooly hair and keratoderma; Arrhythmogenic right ventricular dysplasia 8. Last evaluated: 2026-02-03. Review status: criteria provided, single submitter. Criteria: Invitae Variant Classification Sherloc (09022015). Collection method: clinical testing. Allele origin: germline.

ARUP Laboratories, Molecular Genetics and Genomics, ARUP Laboratories
Classification: Benign. Last evaluated: 2025-04-02. Review status: criteria provided, single submitter. Criteria: ARUP Molecular Germline Variant Investigation Process 2024. Collection method: clinical testing. Allele origin: germline.

Blueprint Genetics
Classification: Likely benign. Last evaluated: 2024-11-26. Review status: criteria provided, single submitter. Criteria: ACMG Guidelines, 2015. Collection method: clinical testing. Allele origin: germline.

Fulgent Genetics
Classification: Likely benign for Arrhythmogenic cardiomyopathy with wooly hair and keratoderma; Arrhythmogenic right ventricular dysplasia 8; Lethal acantholytic epidermolysis bullosa; Keratosis palmoplantaris striata 2; Cardiomyopathy, dilated, with wooly hair, keratoderma, and tooth agenesis. Last evaluated: 2021-09-29. Review status: criteria provided, single submitter. Criteria: ACMG Guidelines, 2015. Collection method: clinical testing. Allele origin: unknown.

Women's Health and Genetics/Laboratory Corporation of America, LabCorp
Classification: Benign. Last evaluated: 2019-09-02. Review status: criteria provided, single submitter. Criteria: LabCorp Variant Classification Summary - May 2015. Collection method: clinical testing. Allele origin: germline.
Comment: Variant summary: DSP c.2630+18C>T alters a non-conserved nucleotide located close to a canonical splice site and therefore could affect mRNA splicing, leading to a significantly altered protein sequence. 4/4 computational tools predict no significant impact on normal splicing. However, these predictions have yet to be confirmed by functional studies. The variant allele was found at a frequency of 0.0015 in 249910 control chromosomes in the gnomAD database, including 4 homozygotes. The observed variant frequency is approximately 62 fold of the estimated maximal expected allele frequency for a pathogenic variant in DSP causing Cardiomyopathy phenotype (2.5e-05), strongly suggesting that the variant is benign. To our knowledge, no occurrence of c.2630+18C>T in individuals affected with Cardiomyopathy and no experimental evidence demonstrating its impact on protein function have been reported. No clinical diagnostic laboratories have submitted clinical-significance assessments for this variant to ClinVar after 2014. Based on the evidence outlined above, the variant was classified as benign.

GeneDx
Classification: Benign. Last evaluated: 2014-04-29. Review status: criteria provided, single submitter. Criteria: GeneDx Variant Classification (06012015). Collection method: clinical testing. Allele origin: germline. Affected: yes.
Comment: This variant is considered likely benign or benign based on one or more of the following criteria: it is a conservative change, it occurs at a poorly conserved position in the protein, it is predicted to be benign by multiple in silico algorithms, and/or has population frequency not consistent with disease.

Clinical Genetics, Academic Medical Center
Classification: Benign. Review status: no assertion criteria provided. Collection method: clinical testing. Allele origin: germline. Affected: yes. Study: VKGL Data-share Consensus. Not counted in ClinVar's aggregate classification.

Diagnostic Laboratory, Department of Genetics, University Medical Center Groningen
Classification: Likely benign. Review status: no assertion criteria provided. Collection method: clinical testing. Allele origin: germline. Affected: yes. Study: VKGL Data-share Consensus. Not counted in ClinVar's aggregate classification.

NM_004415.4(DSP):c.2630+18C>T

Gene: DSP (desmoplakin; plus strand). Cytogenetic location: 6p24.3.
Variant type: single nucleotide variant.
Coding change: c.2630+18C>T on transcript NM_004415.4 (MANE Select); 18 bases into the intron after coding-DNA position 2630, C replaced by T.
Molecular consequence: intron variant.
Genome position (GRCh38, 1-based): chr6:7,575,506, C>T. VCF-style: chr6-7575506-C-T. GRCh37 (hg19) VCF-style: chr6-7575739-C-T.
Other names: c.2630+18C>T (NM_001319034.2, NM_001008844.3, LRG_423t1).
Identifiers: ClinVar variation 137169 (VCV000137169.29), dbSNP rs145963404, ClinGen allele CA005442.